The following is an entry in ClinVar:

ClinVar aggregate classification (germline): Uncertain significance. Review status: criteria provided, multiple submitters, no conflicts (2 of 4 stars). 5 submissions from 5 submitters: Uncertain significance (5). Last evaluated 2025-11-18.

Conditions:
Hereditary cancer-predisposing syndrome. Also called: Hereditary neoplastic syndrome; Neoplastic Syndromes, Hereditary; Tumor predisposition; Hereditary Cancer Syndrome. Identifiers: Orphanet 140162, MedGen C0027672, MeSH D009386, MONDO:0015356.
Hirschsprung disease, susceptibility to, 1 (HSCR1). Also called: RET-Related Hirschsprung Disease. Identifiers: Orphanet 388, MedGen C3888239, MONDO:0007723, OMIM 142623.
Multiple endocrine neoplasia, type 2 (MEN2). Identifiers: Orphanet 653, MedGen C4048306, MONDO:0019003. Disease mechanism: gain of function.

gnomAD v4.1: 1 of 1,613,964 alleles (0.000062%); highest among the groups gnomAD compares: Non-Finnish European, 0.000085%; no homozygotes.

Submissions (5):

Ambry Genetics
Classification: Uncertain significance for Hereditary cancer-predisposing syndrome. Last evaluated: 2025-11-18. Review status: criteria provided, single submitter. Criteria: Ambry Variant Classification Scheme 2023. Collection method: clinical testing. Allele origin: germline.
Comment: The p.N1059K variant (also known as c.3177C>A), located in coding exon 19 of the RET gene, results from a C to A substitution at nucleotide position 3177. The asparagine at codon 1059 is replaced by lysine, an amino acid with similar properties. This amino acid position is highly conserved in available vertebrate species. In addition, the in silico prediction for this alteration is inconclusive. Based on the available evidence, the clinical significance of this variant remains unclear.

Labcorp Genetics (formerly Invitae), Labcorp
Classification: Uncertain significance for Multiple endocrine neoplasia, type 2. Last evaluated: 2025-09-28. Review status: criteria provided, single submitter. Criteria: Invitae Variant Classification Sherloc (09022015). Collection method: clinical testing. Allele origin: germline.
Comment: This sequence change replaces asparagine, which is neutral and polar, with lysine, which is basic and polar, at codon 1059 of the RET protein (p.Asn1059Lys). This variant is not present in population databases (gnomAD no frequency). This variant has not been reported in the literature in individuals affected with RET-related conditions. ClinVar contains an entry for this variant (Variation ID: 949525). An algorithm developed to predict the effect of missense changes on protein structure and function (PolyPhen-2) suggests that this variant is likely to be disruptive. In summary, the available evidence is currently insufficient to determine the role of this variant in disease. Therefore, it has been classified as a Variant of Uncertain Significance.

GeneDx
Classification: Uncertain significance. Last evaluated: 2024-12-16. Review status: criteria provided, single submitter. Criteria: GeneDx Variant Classification Process June 2021. Collection method: clinical testing. Allele origin: germline. Affected: yes.
Comment: Not observed at significant frequency in large population cohorts (gnomAD); In silico analysis supports that this missense variant has a deleterious effect on protein structure/function; Has not been previously published as pathogenic or benign to our knowledge; This variant is associated with the following publications: (PMID: 14633923)

Baylor Genetics
Classification: Uncertain significance for Hirschsprung disease, susceptibility to, 1. Last evaluated: 2023-11-23. Review status: criteria provided, single submitter. Criteria: ACMG Guidelines, 2015. Collection method: clinical testing. Allele origin: unknown.

All of Us Research Program, National Institutes of Health
Classification: Uncertain significance for Multiple endocrine neoplasia, type 2. Last evaluated: 2023-11-20. Review status: criteria provided, single submitter. Criteria: ACMG Guidelines, 2015. Collection method: clinical testing. Allele origin: germline. Inheritance: Autosomal dominant inheritance. Observed: 1 variant allele, 1 heterozygote.
Comment: This missense variant replaces asparagine with lysine at codon 1059 of the RET protein. Computational prediction is inconclusive regarding the impact of this variant on protein structure and function (internally defined REVEL score threshold 0.5 < inconclusive < 0.7, PMID: 27666373). To our knowledge, functional studies have not been reported for this variant. This variant has not been reported in individuals affected with RET-related disorders in the literature. This variant has not been identified in the general population by the Genome Aggregation Database (gnomAD). The available evidence is insufficient to determine the role of this variant in disease conclusively. Therefore, this variant is classified as a Variant of Uncertain Significance.

This study involves interpretation of variants in research participants for the purpose of population health screening. Participant phenotype was not available at the time of variant classification. Additional details can be found in publication PMID: 35346344, PMCID: PMC8962531

NM_020975.6(RET):c.3177C>A (p.Asn1059Lys)

Gene: RET (ret proto-oncogene; plus strand). Cytogenetic location: 10q11.21.
Variant type: single nucleotide variant.
Coding change: c.3177C>A on transcript NM_020975.6 (MANE Select); coding-DNA position 3177, C replaced by A.
Protein change: p.Asn1059Lys; replaces asparagine 1059 with lysine.
Molecular consequence: missense variant.
Genome position (GRCh38, 1-based): chr10:43,126,712, C>A. VCF-style: chr10-43126712-C-A. GRCh37 (hg19) VCF-style: chr10-43622160-C-A.
Other names: c.3177C>A, p.Asn1059Lys (NM_000323.2, NM_001406743.1, NM_001406744.1 and 2 more transcripts); c.2415C>A, p.Asn805Lys (NM_001355216.2); c.3048C>A, p.Asn1016Lys (NM_001406761.1, NM_001406762.1, NM_001406764.1); c.3042C>A, p.Asn1014Lys (NM_001406763.1, NM_001406765.1); c.2889C>A, p.Asn963Lys (NM_001406766.1, NM_001406767.1, NM_001406770.1); c.2913C>A, p.Asn971Lys (NM_001406768.1); c.2781C>A, p.Asn927Lys (NM_001406769.1, NM_001406772.1); c.2739C>A, p.Asn913Lys (NM_001406771.1, NM_001406773.1); and 10 more; short protein forms N1059K, N805K, N1014K, N1016K, N720K, N624K, N664K, N717K.
Identifiers: ClinVar variation 949525 (VCV000949525.17), dbSNP rs1014122393, ClinGen allele CA206267862.